The following is an entry in ClinVar:

NM_002181.4(IHH):c.31C>A (p.His11Asn)

Gene: IHH (Indian hedgehog signaling molecule; minus strand). Cytogenetic location: 2q35.
Variant type: single nucleotide variant.
Coding change: c.31C>A on transcript NM_002181.4 (MANE Select); coding-DNA position 31, C replaced by A.
Protein change: p.His11Asn; replaces histidine 11 with asparagine.
Molecular consequence: missense variant.
Genome position (GRCh38, 1-based): chr2:219,060,437, G>T on the plus strand (C>A on the coding strand, the complement: IHH is on the minus strand). VCF-style: chr2-219060437-G-T. GRCh37 (hg19) VCF-style: chr2-219925159-G-T.
Other names: short protein forms H11N.
Identifiers: ClinVar variation 3712874 (VCV003712874.2).
Genomic context (GRCh38, chr2:219,060,437, plus strand): 5'-CCGGCCCGCAGCCCCATGCCGCCGGCACCACCAGCAGCAGCAACAGGACCAGGCAGAAGT[G>T]CAGTCGGGGCCGGAGCCGGGCGGGAGACATGGCCGGGGAGCCCGGGGGAGCGGCGGGCGA-3'
Protein context (NP_002172.2, residues 1-21): MSPARLRPRL[His11Asn]FCLVLLLLLV

ClinVar aggregate classification (germline): Uncertain significance (1 of 4 stars; one submission).

Submission:

Labcorp Genetics (formerly Invitae), Labcorp
Classification: Uncertain significance. Last evaluated: 2025-07-09. Review status: criteria provided, single submitter. Criteria: Invitae Variant Classification Sherloc (09022015). Collection method: clinical testing. Allele origin: germline.
Comment: This sequence change replaces histidine, which is basic and polar, with asparagine, which is neutral and polar, at codon 11 of the IHH protein (p.His11Asn). This variant is present in population databases (rs762517039, gnomAD 0.008%). This variant has not been reported in the literature in individuals affected with IHH-related conditions. ClinVar contains an entry for this variant (Variation ID: 3712874). An algorithm developed to predict the effect of missense changes on protein structure and function (PolyPhen-2) suggests that this variant is likely to be tolerated. In summary, the available evidence is currently insufficient to determine the role of this variant in disease. Therefore, it has been classified as a Variant of Uncertain Significance.